The following is an entry in ClinVar:

NM_024809.5(TCTN2):c.1128T>C (p.Pro376=)

Gene: TCTN2 (tectonic family member 2; plus strand). Cytogenetic location: 12q24.31.
Variant type: single nucleotide variant.
Coding change: c.1128T>C on transcript NM_024809.5 (MANE Select); coding-DNA position 1128, T replaced by C.
Protein change: p.Pro376=; no amino-acid change (proline 376 retained).
Molecular consequence: synonymous variant.
Genome position (GRCh38, 1-based): chr12:123,694,870, T>C. VCF-style: chr12-123694870-T-C. GRCh37 (hg19) VCF-style: chr12-124179417-T-C.
Other names: p.Pro376=; c.1125T>C, p.Pro375= (NM_001143850.3).
Identifiers: ClinVar variation 126283 (VCV000126283.27), dbSNP rs7966867, ClinGen allele CA150956.

ClinVar aggregate classification (germline): Benign. Review status: criteria provided, multiple submitters, no conflicts (2 of 4 stars). 13 submissions from 11 submitters: Benign (11). 2 of the submissions do not count toward it. Last evaluated 2026-02-04.

Conditions:
Joubert syndrome 24 (JBTS24). Identifiers: Orphanet 475, MedGen C4084841, MONDO:0014724, OMIM 616654.
Joubert syndrome. Also called: Familial aplasia of the vermis; JOUBERT-BOLTSHAUSER SYNDROME. Identifiers: Orphanet 475, MedGen C5979921, MONDO:0018772.
Meckel-Gruber syndrome. Also called: Dysencephalia splachnocystica; GRUBER SYNDROME; DYSENCEPHALIA SPLANCHNOCYSTICA. Identifiers: Orphanet 564, MedGen C0265215, MONDO:0018921.
Meckel syndrome, type 8. Identifiers: Orphanet 564, MedGen C3836857, MONDO:0013482, OMIM 613885.

Allele frequency attached by ClinVar (database versions not stated): 1000 Genomes Project 30x 0.49375; gnomAD 0.53020 and 0.54127; TOPMed 0.54138; ESP Exome Variant Server 0.57227; gnomAD exomes 0.42353 and 0.44875; ExAC 0.43874; 1000 Genomes Project 0.48223.
gnomAD v4.1: 735,807 of 1,611,480 alleles (46%); highest among the groups gnomAD compares: African/African-American, 83%; 177,967 homozygotes.

Submissions (13):

Labcorp Genetics (formerly Invitae), Labcorp
Classification: Benign for Joubert syndrome; Meckel-Gruber syndrome. Last evaluated: 2026-02-04. Review status: criteria provided, single submitter. Criteria: Invitae Variant Classification Sherloc (09022015). Collection method: clinical testing. Allele origin: germline.

Blueprint Genetics
Classification: Benign. Last evaluated: 2024-11-27. Review status: criteria provided, single submitter. Criteria: ACMG Guidelines, 2015. Collection method: clinical testing. Allele origin: germline.

Mayo Clinic Laboratories, Mayo Clinic
Classification: Benign. Last evaluated: 2022-03-09. Review status: criteria provided, single submitter. Criteria: ACMG Guidelines, 2015. Collection method: clinical testing. Allele origin: germline. Observed: 51 variant alleles.

Genome-Nilou Lab
Classification: Benign for Meckel syndrome, type 8. Last evaluated: 2021-07-15. Review status: criteria provided, single submitter. Criteria: ACMG Guidelines, 2015. Collection method: clinical testing. Allele origin: germline. Affected: no.

Genome-Nilou Lab
Classification: Benign for Joubert syndrome 24. Last evaluated: 2021-07-15. Review status: criteria provided, single submitter. Criteria: ACMG Guidelines, 2015. Collection method: clinical testing. Allele origin: germline. Affected: no.

Illumina Laboratory Services, Illumina
Classification: Benign for Joubert syndrome 24. Last evaluated: 2018-01-13. Review status: criteria provided, single submitter. Criteria: ICSL Variant Classification Criteria 13 December 2019. Collection method: clinical testing. Allele origin: germline.
Comment: This variant was observed in the ICSL laboratory as part of a predisposition screen in an ostensibly healthy population. It had not been previously curated by ICSL or reported in the Human Gene Mutation Database (HGMD: prior to June 1st, 2018), and was therefore a candidate for classification through an automated scoring system. Utilizing variant allele frequency, disease prevalence and penetrance estimates, and inheritance mode, an automated score was calculated to assess if this variant is too frequent to cause the disease. Based on the score and internal cut-off values, a variant classified as benign is not then subjected to further curation. The score for this variant resulted in a classification of benign for this disease.

Illumina Laboratory Services, Illumina
Classification: Benign for Meckel syndrome, type 8. Last evaluated: 2018-01-13. Review status: criteria provided, single submitter. Criteria: ICSL Variant Classification Criteria 13 December 2019. Collection method: clinical testing. Allele origin: germline.
Comment: the same text as in the submission from Illumina Laboratory Services, Illumina above.

GeneDx
Classification: Benign. Last evaluated: 2016-01-08. Review status: criteria provided, single submitter. Criteria: GeneDx Variant Classification (06012015). Collection method: clinical testing. Allele origin: germline. Affected: yes.
Comment: This variant is considered likely benign or benign based on one or more of the following criteria: it is a conservative change, it occurs at a poorly conserved position in the protein, it is predicted to be benign by multiple in silico algorithms, and/or has population frequency not consistent with disease.

Clinical Genetics DNA and cytogenetics Diagnostics Lab, Erasmus MC, Erasmus Medical Center
Classification: Benign for Meckel syndrome, type 8. Last evaluated: 2015-09-21. Review status: criteria provided, single submitter. Criteria: ACGS Guidelines, 2013. Collection method: clinical testing. Allele origin: germline. Affected: yes. Study: VKGL Data-share Consensus.

Breakthrough Genomics
Classification: Benign. Review status: criteria provided, single submitter. Criteria: ACMG Guidelines, 2015. Collection method: not provided. Allele origin: germline. Inheritance: Autosomal recessive inheritance. Affected: yes.

PreventionGenetics, part of Exact Sciences
Classification: Benign. Review status: criteria provided, single submitter. Criteria: ACMG Guidelines, 2015. Collection method: clinical testing. Allele origin: germline.

Diagnostic Laboratory, Department of Genetics, University Medical Center Groningen
Classification: Benign for Meckel syndrome, type 8. Review status: no assertion criteria provided. Collection method: clinical testing. Allele origin: germline. Affected: yes. Study: VKGL Data-share Consensus. Not counted in ClinVar's aggregate classification.

Genetic Services Laboratory, University of Chicago
Classification: Likely benign for AllHighlyPenetrant. Review status: no assertion criteria provided. Collection method: clinical testing. Allele origin: germline. Inheritance: Autosomal recessive inheritance. Observed: 135 variant alleles. Not counted in ClinVar's aggregate classification.
Comment: Likely benign based on allele frequency in 1000 Genomes Project or ESP global frequency and its presence in a patient with a rare or unrelated disease phenotype. NOT Sanger confirmed.